The following is an entry in ClinVar:

ClinVar aggregate classification (germline): Uncertain significance (1 of 4 stars; one submission).

Submission:

GeneDx
Classification: Uncertain significance. Last evaluated: 2025-08-15. Review status: criteria provided, single submitter. Criteria: GeneDx Variant Classification Process June 2021. Collection method: clinical testing. Allele origin: germline. Affected: yes.
Comment: Not observed at significant frequency in large population cohorts (gnomAD); In silico analysis suggests that this missense variant does not alter protein structure/function; Has not been previously published as pathogenic or benign to our knowledge

NM_005909.5(MAP1B):c.2190A>C (p.Lys730Asn)

Gene: MAP1B (microtubule associated protein 1B; plus strand). Cytogenetic location: 5q13.2.
Variant type: single nucleotide variant.
Coding change: c.2190A>C on transcript NM_005909.5 (MANE Select); coding-DNA position 2190, A replaced by C.
Protein change: p.Lys730Asn; replaces lysine 730 with asparagine.
Molecular consequence: missense variant.
Genome position (GRCh38, 1-based): chr5:72,195,545, A>C. VCF-style: chr5-72195545-A-C. GRCh37 (hg19) VCF-style: chr5-71491372-A-C.
Other names: c.1812A>C, p.Lys604Asn (NM_001324255.2); short protein forms K730N, K604N.
Identifiers: ClinVar variation 4795281 (VCV004795281.1).